The following is an entry in ClinVar:

ClinVar aggregate classification (germline): Uncertain significance (1 of 4 stars; one submission).

Conditions:
2-aminoadipic 2-oxoadipic aciduria (AAKAD). Also called: ALPHA-AMINOADIPIC AND ALPHA-KETOADIPIC ACIDURIA; Aminoadipic aciduria. Identifiers: Orphanet 79154, MedGen C1859817, MONDO:0008774, OMIM 204750.

Submission:

Labcorp Genetics (formerly Invitae), Labcorp
Classification: Uncertain significance for 2-aminoadipic 2-oxoadipic aciduria. Last evaluated: 2021-09-09. Review status: criteria provided, single submitter. Criteria: Invitae Variant Classification Sherloc (09022015). Collection method: clinical testing. Allele origin: germline.
Comment: In summary, the available evidence is currently insufficient to determine the role of this variant in disease. Therefore, it has been classified as a Variant of Uncertain Significance. Algorithms developed to predict the effect of sequence changes on RNA splicing suggest that this variant may create or strengthen a splice site. Algorithms developed to predict the effect of missense changes on protein structure and function output the following: SIFT: "Tolerated"; PolyPhen-2: "Benign"; Align-GVGD: "Class C0". The threonine amino acid residue is found in multiple mammalian species, which suggests that this missense change does not adversely affect protein function. This variant has not been reported in the literature in individuals affected with DHTKD1-related conditions. This variant is not present in population databases (ExAC no frequency). This sequence change replaces serine with threonine at codon 478 of the DHTKD1 protein (p.Ser478Thr). The serine residue is moderately conserved and there is a small physicochemical difference between serine and threonine.

NM_018706.7(DHTKD1):c.1432T>A (p.Ser478Thr)

Gene: DHTKD1 (dehydrogenase E1 and transketolase domain containing 1; plus strand). Cytogenetic location: 10p14.
Variant type: single nucleotide variant.
Coding change: c.1432T>A on transcript NM_018706.7 (MANE Select); coding-DNA position 1432, T replaced by A.
Protein change: p.Ser478Thr; replaces serine 478 with threonine.
Molecular consequence: missense variant.
Genome position (GRCh38, 1-based): chr10:12,097,757, T>A. VCF-style: chr10-12097757-T-A. GRCh37 (hg19) VCF-style: chr10-12139756-T-A.
Other names: short protein forms S478T.
Identifiers: ClinVar variation 1380380 (VCV001380380.6), dbSNP rs2131365279, ClinGen allele CA376020671.